The following is an entry in ClinVar:

ClinVar aggregate classification (germline): Likely benign. Review status: criteria provided, multiple submitters, no conflicts (2 of 4 stars). 3 submissions from 3 submitters: Likely benign (3). Last evaluated 2026-01-28.

Conditions:
Deficiency of malonyl-CoA decarboxylase. Also called: Malonic aciduria; MCD deficiency. Identifiers: Orphanet 943, MedGen C0342793, MONDO:0009556, OMIM 248360.

Allele frequency attached by ClinVar (database versions not stated): ExAC 0.00006; TOPMed 0.00006; gnomAD 0.00009 and 0.00010; ESP Exome Variant Server 0.00016.
gnomAD v4.1: 213 of 1,614,116 alleles (0.013%); highest among the groups gnomAD compares: Non-Finnish European, 0.015%; no homozygotes.

Submissions (3):

Labcorp Genetics (formerly Invitae), Labcorp
Classification: Likely benign for Deficiency of malonyl-CoA decarboxylase. Last evaluated: 2026-01-28. Review status: criteria provided, single submitter. Criteria: Invitae Variant Classification Sherloc (09022015). Collection method: clinical testing. Allele origin: germline.

Blueprint Genetics
Classification: Likely benign. Last evaluated: 2024-06-14. Review status: criteria provided, single submitter. Criteria: ACMG Guidelines, 2015. Collection method: clinical testing. Allele origin: germline.

GeneDx
Classification: Likely benign. Last evaluated: 2016-06-16. Review status: criteria provided, single submitter. Criteria: GeneDx Variant Classification (06012015). Collection method: clinical testing. Allele origin: germline. Affected: yes.
Comment: This variant is considered likely benign or benign based on one or more of the following criteria: it is a conservative change, it occurs at a poorly conserved position in the protein, it is predicted to be benign by multiple in silico algorithms, and/or has population frequency not consistent with disease.

NM_012213.3(MLYCD):c.1146C>T (p.Ser382=)

Gene: MLYCD (malonyl-CoA decarboxylase; plus strand). Cytogenetic location: 16q23.3.
Variant type: single nucleotide variant.
Coding change: c.1146C>T on transcript NM_012213.3 (MANE Select); coding-DNA position 1146, C replaced by T.
Protein change: p.Ser382=; no amino-acid change (serine 382 retained).
Molecular consequence: synonymous variant.
Genome position (GRCh38, 1-based): chr16:83,915,153, C>T. VCF-style: chr16-83915153-C-T. GRCh37 (hg19) VCF-style: chr16-83948758-C-T.
Identifiers: ClinVar variation 386354 (VCV000386354.10), dbSNP rs373273203, ClinGen allele CA8197520.